The following is an entry in ClinVar:

NM_000089.4(COL1A2):c.2225G>A (p.Gly742Glu)

Gene: COL1A2 (collagen type I alpha 2 chain; plus strand). Cytogenetic location: 7q21.3.
Variant type: single nucleotide variant.
Coding change: c.2225G>A on transcript NM_000089.4 (MANE Select); coding-DNA position 2225, G replaced by A.
Protein change: p.Gly742Glu; replaces glycine 742 with glutamic acid.
Molecular consequence: missense variant.
Genome position (GRCh38, 1-based): chr7:94,420,578, G>A. VCF-style: chr7-94420578-G-A. GRCh37 (hg19) VCF-style: chr7-94049890-G-A.
Other names: short protein forms G742E.
Identifiers: ClinVar variation 1326102 (VCV001326102.3), dbSNP rs2115931969, ClinGen allele CA368223507.

ClinVar aggregate classification (germline): Pathogenic/Likely pathogenic. Review status: criteria provided, multiple submitters, no conflicts (2 of 4 stars). 2 submissions from 2 submitters: Pathogenic (1); Likely pathogenic (1). Last evaluated 2021-11-04.

Conditions:
Osteogenesis imperfecta (OI). Identifiers: Orphanet 666, MedGen C0029434, MeSH D010013, MONDO:0019019.

Submissions (2):

GeneDx
Classification: Pathogenic. Last evaluated: 2021-11-04. Review status: criteria provided, single submitter. Criteria: GeneDx Variant Classification Process June 2021. Collection method: clinical testing. Allele origin: germline. Affected: yes.
Comment: Occurs in the triple helical domain and replaces the glycine in the canonical Gly-X-Y repeat; missense substitution of a canonical glycine residue is expected to disrupt normal protein folding and function, and this is an established mechanism of disease (Stenson et al, 2014); Not observed in large population cohorts (Lek et al., 2016); In silico analysis supports that this missense variant has a deleterious effect on protein structure/function; Has not been previously published as pathogenic or benign to our knowledge

Institute of Human Genetics, Cologne University
Classification: Likely pathogenic for Osteogenesis imperfecta. Last evaluated: 2021-10-05. Review status: criteria provided, single submitter. Criteria: ACMG Guidelines, 2015. Collection method: clinical testing. Allele origin: de novo. Affected: yes.